The following is an entry in ClinVar:

ClinVar aggregate classification (germline): Conflicting classifications of pathogenicity. Review status: criteria provided, conflicting classifications (1 of 4 stars). 4 submissions from 4 submitters: Uncertain significance (1); Likely benign (3). Last evaluated 2026-01-20.

Conditions:
ADGRV1-related disorder. Also called: ADGRV1-related condition; ADGRV1-related disorders.

Allele frequency attached by ClinVar (database versions not stated): TOPMed 0.00002.
gnomAD v4.1: 26 of 1,613,742 alleles (0.0016%); highest among the groups gnomAD compares: Admixed American, 0.02%; no homozygotes.

Submissions (4):

Labcorp Genetics (formerly Invitae), Labcorp
Classification: Likely benign. Last evaluated: 2026-01-20. Review status: criteria provided, single submitter. Criteria: Invitae Variant Classification Sherloc (09022015). Collection method: clinical testing. Allele origin: germline.

PreventionGenetics, part of Exact Sciences
Classification: Likely benign for ADGRV1-related condition. Last evaluated: 2025-02-21. Review status: criteria provided, single submitter. Criteria: ACMG Guidelines, 2015. Collection method: clinical testing. Allele origin: germline.
Comment: This variant is classified as likely benign based on ACMG/AMP sequence variant interpretation guidelines (Richards et al. 2015 PMID: 25741868, with internal and published modifications).

Blueprint Genetics
Classification: Likely benign. Last evaluated: 2023-01-16. Review status: criteria provided, single submitter. Criteria: ACMG Guidelines, 2015. Collection method: clinical testing. Allele origin: germline.

Eurofins Ntd Llc (ga)
Classification: Uncertain significance. Last evaluated: 2017-08-09. Review status: criteria provided, single submitter. Criteria: EGL Classification Definitions 2015. Collection method: clinical testing. Allele origin: germline. Observed: 1 variant allele, 1 heterozygote.

NM_032119.4(ADGRV1):c.5784C>T (p.Ser1928=)

Gene: ADGRV1 (adhesion G protein-coupled receptor V1; plus strand). Cytogenetic location: 5q14.3.
Variant type: single nucleotide variant.
Coding change: c.5784C>T on transcript NM_032119.4 (MANE Select); coding-DNA position 5784, C replaced by T.
Protein change: p.Ser1928=; no amino-acid change (serine 1928 retained).
Molecular consequence: synonymous variant. On other transcripts: non-coding transcript variant (1).
Genome position (GRCh38, 1-based): chr5:90,683,705, C>T. VCF-style: chr5-90683705-C-T. GRCh37 (hg19) VCF-style: chr5-89979522-C-T.
Other names: c.5784C>T (NM_032119.3).
Identifiers: ClinVar variation 593531 (VCV000593531.14), dbSNP rs199605700, ClinGen allele CA3339661.